The following is an entry in ClinVar:

NM_000393.5(COL5A2):c.1875C>A (p.Asp625Glu)

Gene: COL5A2 (collagen type V alpha 2 chain; minus strand). Cytogenetic location: 2q32.2.
Variant type: single nucleotide variant.
Coding change: c.1875C>A on transcript NM_000393.5 (MANE Select); coding-DNA position 1875, C replaced by A.
Protein change: p.Asp625Glu; replaces aspartic acid 625 with glutamic acid.
Molecular consequence: missense variant.
Genome position (GRCh38, 1-based): chr2:189,063,058, G>T on the plus strand (C>A on the coding strand, the complement: COL5A2 is on the minus strand). VCF-style: chr2-189063058-G-T. GRCh37 (hg19) VCF-style: chr2-189927784-G-T.
Other names: short protein forms D625E.
Identifiers: ClinVar variation 3654257 (VCV003654257.2).
Genomic context (GRCh38, chr2:189,063,058, plus strand): 5'-ATGTATATTTACCCTCTGCCCAGGAACTCCAGCATTTCCTGCTTCTCCAGGTTTCCCAGG[G>T]TCACCCTAAAGAATAAATGAAACTTTTGTATAATTCCTTCAATTTGTCAAAAACATACCT-3'
Protein context (NP_000384.2, residues 615-635): GLPGPKGSSG[Asp625Glu]PGKPGEAGNA

ClinVar aggregate classification (germline): Uncertain significance (1 of 4 stars; one submission).

Conditions:
Ehlers-Danlos syndrome, classic type, 1 (EDSCL1). Also called: EHLERS-DANLOS SYNDROME, GRAVIS TYPE; EHLERS-DANLOS SYNDROME, SEVERE CLASSIC TYPE; Ehlers-Danlos syndrome, type 1; Ehlers-Danlos Syndrome, Classic Type, COL5A1-Related; EDS I. Identifiers: MedGen C0268335, MONDO:0019567, OMIM 130000.

Submission:

Labcorp Genetics (formerly Invitae), Labcorp
Classification: Uncertain significance for Ehlers-Danlos syndrome, classic type, 1. Last evaluated: 2024-05-22. Review status: criteria provided, single submitter. Criteria: Invitae Variant Classification Sherloc (09022015). Collection method: clinical testing. Allele origin: germline.
Comment: This sequence change replaces aspartic acid, which is acidic and polar, with glutamic acid, which is acidic and polar, at codon 625 of the COL5A2 protein (p.Asp625Glu). This variant is not present in population databases (gnomAD no frequency). This variant has not been reported in the literature in individuals affected with COL5A2-related conditions. Advanced modeling of protein sequence and biophysical properties (such as structural, functional, and spatial information, amino acid conservation, physicochemical variation, residue mobility, and thermodynamic stability) performed at Invitae indicates that this missense variant is not expected to disrupt COL5A2 protein function with a negative predictive value of 80%. In summary, the available evidence is currently insufficient to determine the role of this variant in disease. Therefore, it has been classified as a Variant of Uncertain Significance.